The following is an entry in ClinVar:

NM_001286577.2(C2CD3):c.3910+1G>A

Gene: C2CD3 (C2 domain containing 3 centriole elongation regulator; minus strand). Cytogenetic location: 11q13.4.
Variant type: single nucleotide variant.
Coding change: c.3910+1G>A on transcript NM_001286577.2 (MANE Select); the canonical splice donor site of the intron after coding-DNA position 3910, G replaced by A.
Molecular consequence: splice donor variant.
Genome position (GRCh38, 1-based): chr11:74,085,617, C>T on the plus strand (G>A on the coding strand, the complement: C2CD3 is on the minus strand). VCF-style: chr11-74085617-C-T. GRCh37 (hg19) VCF-style: chr11-73796662-C-T.
Other names: c.3910+1G>A (NM_015531.6).
Identifiers: ClinVar variation 419541 (VCV000419541.4), dbSNP rs1064793941, ClinGen allele CA16619406.
Genomic context (GRCh38, chr11:74,085,617, plus strand): 5'-CTATACTATTCACAATGCAGCCTCTTTTAATTTTGATTGTGACAAGTCATATGGTGCTCA[C>T]CTGACTTGGTATTTTCATGATAGACAGCAAAAATAACTTCTGCAAACTCCAACAACTCTG-3'

ClinVar aggregate classification (germline): Pathogenic/Likely pathogenic. Review status: criteria provided, multiple submitters, no conflicts (2 of 4 stars). 2 submissions from 2 submitters: Pathogenic (1); Likely pathogenic (1). Last evaluated 2015-07-21.

Conditions:
Orofaciodigital syndrome type 14. Also called: Orofaciodigital syndrome xiv. Identifiers: Orphanet 434179, MedGen C4706604, MONDO:0014413, OMIM 615948.

Submissions (2):

GeneDx
Classification: Pathogenic. Last evaluated: 2015-07-21. Review status: criteria provided, single submitter. Criteria: GeneDx Variant Classification (06012015). Collection method: clinical testing. Allele origin: germline. Affected: yes.
Comment: The c.3910+1G>A substitution in the C2CD3 gene has not been reported previously as a pathogenic variant nor as a benign polymorphism, to our knowledge. This splice site variant destroys the canonicalsplice donor site in intron 21. It is predicted to cause abnormal gene splicing, either leading to an abnormalmessage that is subject to nonsense-mediated mRNA decay, or to an abnormal protein product if themessage is used for protein translation. The c.3910+1G>A substitution was not observed in approximately6500 individuals of European and African American ancestry in the NHLBI Exome Sequencing Project,indicating it is not a common variant in these populations. We interpret c.3910+1G>A as a pathogenic variant.

Juno Genomics, Hangzhou Juno Genomics, Inc
Classification: Likely pathogenic for Orofaciodigital syndrome type 14. Review status: criteria provided, single submitter. Criteria: ACMG Guidelines, 2015. Collection method: clinical testing. Allele origin: germline.
Comment: Null variant in a gene where loss of function (LOF) is a known mechanism of disease.;Absent from controls (or at extremely low frequency if recessive) in Genome Aggregation Database.